The following is an entry in ClinVar:

ClinVar aggregate classification (germline): Likely pathogenic (1 of 4 stars; one submission).

Conditions:
Immunodeficiency, common variable, 1. Also called: ANTIBODY DEFICIENCY DUE TO ICOS DEFECT. Identifiers: Orphanet 1572, Orphanet 695183, MedGen C3149378, MONDO:0011864, OMIM 607594.

Submission:

Labcorp Genetics (formerly Invitae), Labcorp
Classification: Likely pathogenic for Immunodeficiency, common variable, 1. Last evaluated: 2023-10-11. Review status: criteria provided, single submitter. Criteria: Invitae Variant Classification Sherloc (09022015). Collection method: clinical testing. Allele origin: germline.
Comment: This sequence change affects a donor splice site in intron 2 of the ICOS gene. It is expected to disrupt RNA splicing. Variants that disrupt the donor or acceptor splice site typically lead to a loss of protein function (PMID: 16199547), and loss-of-function variants in ICOS are known to be pathogenic (PMID: 11343122, 12577056, 19380800). This variant is not present in population databases (gnomAD no frequency). This variant has not been reported in the literature in individuals affected with ICOS-related conditions. ClinVar contains an entry for this variant (Variation ID: 573877). Algorithms developed to predict the effect of sequence changes on RNA splicing suggest that this variant may disrupt the consensus splice site. In summary, the currently available evidence indicates that the variant is pathogenic, but additional data are needed to prove that conclusively. Therefore, this variant has been classified as Likely Pathogenic.

Literature cited by the submitters: PubMed 16199547; PubMed 11343122; PubMed 12577056; PubMed 19380800.

NM_012092.4(ICOS):c.394+2T>C

Gene: ICOS (inducible T cell costimulator; plus strand). Cytogenetic location: 2q33.2.
Variant type: single nucleotide variant.
Coding change: c.394+2T>C on transcript NM_012092.4 (MANE Select); the canonical splice donor site of the intron after coding-DNA position 394, T replaced by C.
Molecular consequence: splice donor variant.
Genome position (GRCh38, 1-based): chr2:203,955,973, T>C. VCF-style: chr2-203955973-T-C. GRCh37 (hg19) VCF-style: chr2-204820696-T-C.
Identifiers: ClinVar variation 573877 (VCV000573877.7), dbSNP rs1559035937, ClinGen allele CA350140314.